The following is an entry in ClinVar:

ClinVar aggregate classification (germline): Pathogenic (1 of 4 stars; one submission).

Submission:

Labcorp Genetics (formerly Invitae), Labcorp
Classification: Pathogenic. Last evaluated: 2023-04-24. Review status: criteria provided, single submitter. Criteria: Invitae Variant Classification Sherloc (09022015). Collection method: clinical testing. Allele origin: germline.
Comment: For these reasons, this variant has been classified as Pathogenic. This variant has not been reported in the literature in individuals affected with CANT1-related conditions. This variant is not present in population databases (gnomAD no frequency). This sequence change creates a premature translational stop signal (p.Ala35Argfs*11) in the CANT1 gene. It is expected to result in an absent or disrupted protein product. Loss-of-function variants in CANT1 are known to be pathogenic (PMID: 19853239, 21037275, 22539336).

Literature cited by the submitters: PubMed 19853239; PubMed 21037275; PubMed 22539336.

NM_001159773.2(CANT1):c.103del (p.Ala35fs)

Gene: CANT1 (calcium activated nucleotidase 1; minus strand). Cytogenetic location: 17q25.3.
Variant type: Deletion.
Coding change: c.103del on transcript NM_001159773.2 (MANE Select); coding-DNA position 103, one base deleted (G; older notation c.103delG).
Protein change: p.Ala35fs; shifts the reading frame from alanine 35.
Molecular consequence: frameshift variant.
Genome position (GRCh38, 1-based): chr17:78,997,520, C deleted on the plus strand (G on the coding strand, the reverse complement: CANT1 is on the minus strand). VCF-style (leftmost placement, unchanged base first): chr17-78997519-GC-G. GRCh37 (hg19) VCF-style: chr17-76993601-GC-G.
Other names: c.103del, p.Ala35fs (NM_001159772.2, NM_138793.4); short protein forms A35fs.
Identifiers: ClinVar variation 2858771 (VCV002858771.3), dbSNP rs2477626590, ClinGen allele CA2739268483.